The following is an entry in ClinVar:

NM_014974.3(DIP2C):c.1078A>T (p.Met360Leu)

Gene: DIP2C (DIP2 acetate--CoA ligase C (putative); minus strand). Cytogenetic location: 10p15.3.
Variant type: single nucleotide variant.
Coding change: c.1078A>T on transcript NM_014974.3 (MANE Select); coding-DNA position 1078, A replaced by T.
Protein change: p.Met360Leu; replaces methionine 360 with leucine.
Molecular consequence: missense variant.
Genome position (GRCh38, 1-based): chr10:408,997, T>A on the plus strand (A>T on the coding strand, the complement: DIP2C is on the minus strand). VCF-style: chr10-408997-T-A. GRCh37 (hg19) VCF-style: chr10-454937-T-A.
Other names: short protein forms M360L.
Identifiers: ClinVar variation 3699618 (VCV003699618.2).

ClinVar aggregate classification (germline): Uncertain significance (1 of 4 stars; one submission).

Submission:

Labcorp Genetics (formerly Invitae), Labcorp
Classification: Uncertain significance. Last evaluated: 2024-12-19. Review status: criteria provided, single submitter. Criteria: Invitae Variant Classification Sherloc (09022015). Collection method: clinical testing. Allele origin: germline.
Comment: This sequence change replaces methionine, which is neutral and non-polar, with leucine, which is neutral and non-polar, at codon 360 of the DIP2C protein (p.Met360Leu). This variant is not present in population databases (gnomAD no frequency). This variant has not been reported in the literature in individuals affected with DIP2C-related conditions. An algorithm developed to predict the effect of missense changes on protein structure and function (PolyPhen-2) suggests that this variant is likely to be tolerated. In summary, the available evidence is currently insufficient to determine the role of this variant in disease. Therefore, it has been classified as a Variant of Uncertain Significance.